The following is an entry in ClinVar:

ClinVar aggregate classification (germline): Uncertain significance (1 of 4 stars; one submission).

Submission:

Labcorp Genetics (formerly Invitae), Labcorp
Classification: Uncertain significance. Last evaluated: 2024-07-27. Review status: criteria provided, single submitter. Criteria: Invitae Variant Classification Sherloc (09022015). Collection method: clinical testing. Allele origin: germline.
Comment: This sequence change replaces serine, which is neutral and polar, with proline, which is neutral and non-polar, at codon 1968 of the SNRNP200 protein (p.Ser1968Pro). This variant is not present in population databases (gnomAD no frequency). This variant has not been reported in the literature in individuals affected with SNRNP200-related conditions. Advanced modeling of protein sequence and biophysical properties (such as structural, functional, and spatial information, amino acid conservation, physicochemical variation, residue mobility, and thermodynamic stability) performed at Invitae indicates that this missense variant is not expected to disrupt SNRNP200 protein function with a negative predictive value of 80%. In summary, the available evidence is currently insufficient to determine the role of this variant in disease. Therefore, it has been classified as a Variant of Uncertain Significance.

NM_014014.5(SNRNP200):c.5902T>C (p.Ser1968Pro)

Gene: SNRNP200 (small nuclear ribonucleoprotein U5 subunit 200; minus strand). Cytogenetic location: 2q11.2.
Variant type: single nucleotide variant.
Coding change: c.5902T>C on transcript NM_014014.5 (MANE Select); coding-DNA position 5902, T replaced by C.
Protein change: p.Ser1968Pro; replaces serine 1968 with proline.
Molecular consequence: missense variant.
Genome position (GRCh38, 1-based): chr2:96,277,568, A>G on the plus strand (T>C on the coding strand, the complement: SNRNP200 is on the minus strand). VCF-style: chr2-96277568-A-G. GRCh37 (hg19) VCF-style: chr2-96943306-A-G.
Other names: short protein forms S1968P.
Identifiers: ClinVar variation 3654142 (VCV003654142.2).